The following is an entry in ClinVar:

NM_023036.6(DNAI2):c.404A>G (p.Asn135Ser)

Gene: DNAI2 (dynein axonemal intermediate chain 2; plus strand). Cytogenetic location: 17q25.1.
Variant type: single nucleotide variant.
Coding change: c.404A>G on transcript NM_023036.6 (MANE Select); coding-DNA position 404, A replaced by G.
Protein change: p.Asn135Ser; replaces asparagine 135 with serine.
Molecular consequence: missense variant.
Genome position (GRCh38, 1-based): chr17:74,287,035, A>G. VCF-style: chr17-74287035-A-G. GRCh37 (hg19) VCF-style: chr17-72283174-A-G.
Other names: c.404A>G, p.Asn135Ser (NM_001172810.3, NM_001353167.2); short protein forms N135S.
Identifiers: ClinVar variation 1737338 (VCV001737338.2), dbSNP rs748855872, ClinGen allele CA8745350.

ClinVar aggregate classification (germline): Uncertain significance (1 of 4 stars; one submission).

Conditions:
Primary ciliary dyskinesia. Also called: Ciliary dyskinesia. Identifiers: Orphanet 244, MedGen C0008780, MONDO:0016575, HP:0012265.

Allele frequency attached by ClinVar (database versions not stated): TOPMed 0.00001; ExAC 0.00002; gnomAD 0.00003; gnomAD exomes 0.00003.
gnomAD v4.1: 48 of 1,613,820 alleles (0.003%); highest among the groups gnomAD compares: African/African-American, 0.0053%; no homozygotes.

Submission:

Ambry Genetics
Classification: Uncertain significance for Primary ciliary dyskinesia. Last evaluated: 2021-10-11. Review status: criteria provided, single submitter. Criteria: Ambry Variant Classification Scheme 2023. Collection method: clinical testing. Allele origin: germline.
Comment: The p.N135S variant (also known as c.404A>G), located in coding exon 3 of the DNAI2 gene, results from an A to G substitution at nucleotide position 404. The asparagine at codon 135 is replaced by serine, an amino acid with highly similar properties. This amino acid position is conserved. In addition, this alteration is predicted to be tolerated by in silico analysis. Since supporting evidence is limited at this time, the clinical significance of this alteration remains unclear.